The following is an entry in ClinVar:

ClinVar aggregate classification (germline): Conflicting classifications of pathogenicity. Review status: criteria provided, conflicting classifications (1 of 4 stars). 4 submissions from 4 submitters: Uncertain significance (3); Benign (1). Last evaluated 2025-02-05.

Conditions:
Inborn genetic diseases. Identifiers: MedGen C0950123, MeSH D030342.
Malignant hyperthermia, susceptibility to, 5 (MHS5). Also called: CACNA1S-Related Malignant Hyperthermia Susceptibility. Identifiers: Orphanet 423, MedGen C1866077, MONDO:0011163, OMIM 601887.
Hypokalemic periodic paralysis, type 1. Also called: HypoPP; Hypokalemic Periodic Paralysis Type 1 (AD). Identifiers: Orphanet 681, MedGen C3714580, MONDO:0042979, OMIM 170400.
Thyrotoxic periodic paralysis, susceptibility to, 1 (TTPP1). Identifiers: Orphanet 79102, MedGen C2749982, MONDO:0008570, OMIM 188580.
Congenital myopathy 18. Also called: Myopathy, congenital, due to dihydropyridine receptor defect; DIHYDROPYRIDINE RECEPTOR CONGENITAL MYOPATHY; DHPR CONGENITAL MYOPATHY. Identifiers: MedGen C5830283, MONDO:0859514, OMIM 620246.

Allele frequency attached by ClinVar (database versions not stated): gnomAD below 0.00001 and 0.00003; TOPMed below 0.00001; ExAC 0.00015; 1000 Genomes Project 0.00020; 1000 Genomes Project 30x 0.00031.

Submissions (4):

Labcorp Genetics (formerly Invitae), Labcorp
Classification: Benign for Hypokalemic periodic paralysis, type 1; Malignant hyperthermia, susceptibility to, 5. Last evaluated: 2025-02-05. Review status: criteria provided, single submitter. Criteria: Invitae Variant Classification Sherloc (09022015). Collection method: clinical testing. Allele origin: germline.

Ambry Genetics
Classification: Uncertain significance for Inborn genetic diseases. Last evaluated: 2024-04-09. Review status: criteria provided, single submitter. Criteria: Ambry Variant Classification Scheme 2023. Collection method: clinical testing. Allele origin: germline.

Fulgent Genetics
Classification: Uncertain significance for Hypokalemic periodic paralysis, type 1; Thyrotoxic periodic paralysis, susceptibility to, 1; Malignant hyperthermia, susceptibility to, 5; Congenital myopathy 18. Last evaluated: 2024-04-08. Review status: criteria provided, single submitter. Criteria: ACMG Guidelines, 2015. Collection method: clinical testing. Allele origin: germline.

All of Us Research Program, National Institutes of Health
Classification: Uncertain significance for Malignant hyperthermia, susceptibility to, 5. Last evaluated: 2023-11-30. Review status: criteria provided, single submitter. Criteria: ACMG Guidelines, 2015. Collection method: clinical testing. Allele origin: germline. Inheritance: Autosomal dominant inheritance. Observed: 2 variant alleles, 2 heterozygotes.
Comment: This missense variant replaces alanine with threonine at codon 1042 of the CACNA1S protein. Computational prediction suggests that this variant may have deleterious impact on protein structure and function (internally defined REVEL score threshold >= 0.7, PMID: 27666373). To our knowledge, functional studies have not been reported for this variant. This variant has not been reported in individuals affected with CACNA1S-related disorders in the literature. This variant has been identified in 26/251464 chromosomes in the general population by the Genome Aggregation Database (gnomAD). The available evidence is insufficient to determine the role of this variant in disease conclusively. Therefore, this variant is classified as a Variant of Uncertain Significance.

This study involves interpretation of variants in research participants for the purpose of population health screening. Participant phenotype was not available at the time of variant classification. Additional details can be found in publication PMID: 35346344, PMCID: PMC8962531

NM_000069.3(CACNA1S):c.3124G>A (p.Ala1042Thr)

Gene: CACNA1S (calcium voltage-gated channel subunit alpha1 S; minus strand). Cytogenetic location: 1q32.1.
Variant type: single nucleotide variant.
Coding change: c.3124G>A on transcript NM_000069.3 (MANE Select); coding-DNA position 3124, G replaced by A.
Protein change: p.Ala1042Thr; replaces alanine 1042 with threonine.
Molecular consequence: missense variant.
Genome position (GRCh38, 1-based): chr1:201,061,398, C>T on the plus strand (G>A on the coding strand, the complement: CACNA1S is on the minus strand). VCF-style: chr1-201061398-C-T. GRCh37 (hg19) VCF-style: chr1-201030526-C-T.
Other names: short protein forms A1042T.
Identifiers: ClinVar variation 950684 (VCV000950684.13), dbSNP rs562504992, ClinGen allele CA079556.